The following is an entry in ClinVar:

ClinVar aggregate classification (germline): Pathogenic (1 of 4 stars; one submission).

Conditions:
Atypical hemolytic-uremic syndrome. Identifiers: Orphanet 2134, MedGen C2931788, MONDO:0016244.

Submission:

Genomenon, Inc
Classification: Pathogenic for Atypical hemolytic-uremic syndrome. Last evaluated: 2026-09-17. Review status: criteria provided, single submitter. Criteria: Genomenon Sequence Variant Interpretation Standards - Updated. Collection method: curation. Allele origin: germline. Affected: yes.
Comment: CFB p.Asp279Gly (c.836A>G) is a missense variant that changes the amino acid at codon 279 from Aspartic acid to Glycine. This variant has been observed in at least one proband affected with atypical hemolytic-uremic syndrome (PMID:19584399). The variant was found to segregate with disease in at least one affected family (PMID:19584399). At least one functional study has demonstrated a substantial alteration in protein function relative to the wild-type (PMID:36846022;19584399;24652797). This variant is located in a mutational hotspot and/or important functional domain. It is absent or not present at a significant frequency in gnomAD. In conclusion, we classify CFB p.Asp279Gly (c.836A>G) as a pathogenic variant.

Literature cited by the submitters: PubMed 19584399; PubMed 36846022; PubMed 24652797.

NM_001710.6(CFB):c.836A>G (p.Asp279Gly)

Gene: CFB (complement factor B; plus strand). Cytogenetic location: 6p21.33.
Variant type: single nucleotide variant.
Coding change: c.836A>G on transcript NM_001710.6 (MANE Select); coding-DNA position 836, A replaced by G.
Protein change: p.Asp279Gly; replaces aspartic acid 279 with glycine.
Molecular consequence: missense variant.
Genome position (GRCh38, 1-based): chr6:31,948,020, A>G. VCF-style: chr6-31948020-A-G. GRCh37 (hg19) VCF-style: chr6-31915797-A-G.
Other names: short protein forms D279G.
Identifiers: ClinVar variation 4280397 (VCV004280397.2).
Genomic context (GRCh38, chr6:31,948,020, plus strand): 5'-GGAAGATCGTCCTGGACCCTTCAGGCTCCATGAACATCTACCTGGTGCTAGATGGATCAG[A>G]CAGCATTGGGGCCAGCAACTTCACAGGAGCCAAAAAGTGTCTAGTCAACTTAATTGAGAA-3'
Protein context (NP_001701.2, residues 269-289): MNIYLVLDGS[Asp279Gly]SIGASNFTGA